The following is an entry in ClinVar:

ClinVar aggregate classification (germline): Uncertain significance (1 of 4 stars; one submission).

Conditions:
ASL-related disorder. Also called: ASL-related condition.

gnomAD v4.1: 1 of 1,604,856 alleles (0.000062%); highest among the groups gnomAD compares: Admixed American, 0.0017%; no homozygotes.

Submission:

PreventionGenetics, part of Exact Sciences
Classification: Uncertain significance for ASL-related condition. Last evaluated: 2025-02-18. Review status: criteria provided, single submitter. Criteria: ACMG Guidelines, 2015. Collection method: clinical testing. Allele origin: germline.
Comment: The ASL c.608C>T variant is predicted to result in the amino acid substitution p.Ala203Val. To our knowledge, this variant has not been reported in the literature. This variant is reported in 0.0029% of alleles in individuals of Latino descent in gnomAD. At this time, the clinical significance of this variant is uncertain due to the absence of conclusive functional and genetic evidence.

NM_000048.4(ASL):c.608C>T (p.Ala203Val)

Gene: ASL (argininosuccinate lyase; plus strand). Cytogenetic location: 7q11.21.
Variant type: single nucleotide variant.
Coding change: c.608C>T on transcript NM_000048.4 (MANE Select); coding-DNA position 608, C replaced by T.
Protein change: p.Ala203Val; replaces alanine 203 with valine.
Molecular consequence: missense variant.
Genome position (GRCh38, 1-based): chr7:66,087,339, C>T. VCF-style: chr7-66087339-C-T. GRCh37 (hg19) VCF-style: chr7-65552326-C-T.
Other names: c.608C>T, p.Ala203Val (NM_001024943.2, NM_001024944.2); c.530C>T, p.Ala177Val (NM_001024946.2); short protein forms A177V, A203V.
Identifiers: ClinVar variation 4981580 (VCV004981580.1).
Genomic context (GRCh38, chr7:66,087,339, plus strand): 5'-TGTGTCAGGGCTGCCTGCCAGGAGCCCTGGTCACCATGAATCCCTGTCCCTGCAGTGGGG[C>T]CATTGCAGGCAATCCCCTGGGTGTGGACCGAGAGCTGCTCCGAGCAGGTGAGACGTCCTG-3'
Protein context (NP_000039.2, residues 193-213): RINVLPLGSG[Ala203Val]IAGNPLGVDR